The following is an entry in ClinVar:

ClinVar aggregate classification (germline): Conflicting classifications of pathogenicity. Review status: criteria provided, conflicting classifications (1 of 4 stars). 14 submissions from 14 submitters: Uncertain significance (1); Benign (4); Likely benign (5). 4 of the submissions do not count toward it. Last evaluated 2026-09-21.

Conditions:
TTR-related disorder. Also called: TTR-related condition; TTR-related disorders.
Cardiovascular phenotype. Identifiers: MedGen CN230736.
Charcot-Marie-Tooth disease. Also called: Charcot-Marie-Tooth Neuropathy; Charcot-Marie-Tooth Hereditary Neuropathy. Identifiers: Orphanet 166, MedGen C0007959, MONDO:0015626.
Amyloidosis, hereditary systemic 1 (AMYLD1). Also called: Hereditary Transthyretin Amyloidosis; Isolated Cardiac Amyloidosis; Amyloid Cardiomyopathy, Transthyretin-related; Familial amyloid polyneuropathy; AMYLOID CARDIOMYOPATHY; Hereditary oculoleptomeningeal amyloid angiopathy. Identifiers: Orphanet 85447, Orphanet 85451, MedGen C2751492, MONDO:0971004, OMIM 105210.

Allele frequency attached by ClinVar (database versions not stated): 1000 Genomes Project 0.00280; gnomAD exomes 0.00030 and 0.00068; ExAC 0.00076; ESP Exome Variant Server 0.00277; gnomAD 0.00289 and 0.00309; TOPMed 0.00347; 1000 Genomes Project 30x 0.00265.
gnomAD v4.1: 885 of 1,614,114 alleles (0.055%); highest among the groups gnomAD compares: African/African-American, 1.1%; 3 homozygotes.

Submissions (14):

Molecular Diagnostic Laboratory for Inherited Cardiovascular Disease, Montreal Heart Institute
Classification: Benign. Last evaluated: 2026-09-21. Review status: criteria provided, single submitter. Criteria: ACMG Guidelines, 2015. Collection method: clinical testing. Allele origin: germline. Affected: no.

Labcorp Genetics (formerly Invitae), Labcorp
Classification: Benign for Amyloidosis, hereditary systemic 1. Last evaluated: 2026-02-03. Review status: criteria provided, single submitter. Criteria: Invitae Variant Classification Sherloc (09022015). Collection method: clinical testing. Allele origin: germline.

ARUP Laboratories, Molecular Genetics and Genomics, ARUP Laboratories
Classification: Likely benign. Last evaluated: 2025-07-25. Review status: criteria provided, single submitter. Criteria: ARUP Molecular Germline Variant Investigation Process 2024. Collection method: clinical testing. Allele origin: germline.

Blueprint Genetics
Classification: Likely benign. Last evaluated: 2024-11-27. Review status: criteria provided, single submitter. Criteria: ACMG Guidelines, 2015. Collection method: clinical testing. Allele origin: germline.

Center for Advanced Laboratory Medicine, UC San Diego Health, University of California San Diego
Classification: Likely benign for Hereditary transthyretin amyloidosis. Last evaluated: 2019-05-20. Review status: criteria provided, single submitter. Criteria: ACMG Guidelines, 2015. Collection method: clinical testing. Allele origin: germline. Affected: yes. Observed: 1 variant allele.

Ambry Genetics
Classification: Benign for Cardiovascular phenotype. Last evaluated: 2018-09-18. Review status: criteria provided, single submitter. Criteria: Ambry Variant Classification Scheme 2023. Collection method: clinical testing. Allele origin: germline.

GeneDx
Classification: Benign. Last evaluated: 2015-03-03. Review status: criteria provided, single submitter. Criteria: GeneDx Variant Classification Process June 2021. Collection method: clinical testing. Allele origin: germline. Affected: yes.

Eurofins Ntd Llc (ga)
Classification: Uncertain significance. Last evaluated: 2013-12-18. Review status: criteria provided, single submitter. Criteria: EGL Classification Definitions 2015. Collection method: clinical testing. Allele origin: germline. Observed: 1 variant allele, 1 heterozygote.

Women's Health and Genetics/Laboratory Corporation of America, LabCorp
Classification: Likely benign for Transthyretin Amyloidosis. Last evaluated: 2011-08-18. Review status: criteria provided, single submitter. Criteria: LabCorp Variant Classification Summary - May 2015. Collection method: curation, clinical testing. Allele origin: germline. Inheritance: autosomal unknown. Affected: yes.
ClinVar note: Converted during submission from likely benign to Likely benign.

Molecular Genetics Laboratory, London Health Sciences Centre
Classification: Likely benign for Charcot-Marie-Tooth disease. Review status: criteria provided, single submitter. Criteria: ACMG Guidelines, 2015. Collection method: clinical testing. Allele origin: germline. Affected: yes.

PreventionGenetics, part of Exact Sciences
Classification: Benign for TTR-related condition. Last evaluated: 2022-08-29. Review status: no assertion criteria provided. Collection method: clinical testing. Allele origin: germline. Not counted in ClinVar's aggregate classification.
Comment: This variant is classified as benign based on ACMG/AMP sequence variant interpretation guidelines (Richards et al. 2015 PMID: 25741868, with internal and published modifications).

Clinical Genetics, Academic Medical Center
Classification: Benign. Review status: no assertion criteria provided. Collection method: clinical testing. Allele origin: germline. Affected: yes. Study: VKGL Data-share Consensus. Not counted in ClinVar's aggregate classification.

Genome Diagnostics Laboratory, University Medical Center Utrecht
Classification: Benign. Review status: no assertion criteria provided. Collection method: clinical testing. Allele origin: germline. Affected: yes. Study: VKGL Data-share Consensus. Not counted in ClinVar's aggregate classification.

Laboratory of Diagnostic Genome Analysis, Leiden University Medical Center (LUMC)
Classification: Likely benign. Review status: no assertion criteria provided. Collection method: clinical testing. Allele origin: germline. Affected: yes. Study: VKGL Data-share Consensus. Not counted in ClinVar's aggregate classification.

NM_000371.4(TTR):c.336+19G>A

Gene: TTR (transthyretin; plus strand). Cytogenetic location: 18q12.1.
Variant type: single nucleotide variant.
Coding change: c.336+19G>A on transcript NM_000371.4 (MANE Select); 19 bases into the intron after coding-DNA position 336, G replaced by A.
Molecular consequence: intron variant.
Genome position (GRCh38, 1-based): chr18:31,595,274, G>A. VCF-style: chr18-31595274-G-A. GRCh37 (hg19) VCF-style: chr18-29175237-G-A.
Identifiers: ClinVar variation 36891 (VCV000036891.34), dbSNP rs75517067, ClinGen allele CA235185.
Genomic context (GRCh38, chr18:31,595,274, plus strand): 5'-TGGAAGGCACTTGGCATCTCCCCATTCCATGAGCATGCAGAGGTGAGTATACAGACCTTC[G>A]AGGGTTGTTTTGGTTTTGGTTTTTGCTTTTGGCATTCCAGGAAATGCACAGTTTTACTCA-3'